The following is an entry in ClinVar:

NM_004370.6(COL12A1):c.3997A>G (p.Ile1333Val)

Gene: COL12A1 (collagen type XII alpha 1 chain; minus strand). Cytogenetic location: 6q13.
Variant type: single nucleotide variant.
Coding change: c.3997A>G on transcript NM_004370.6 (MANE Select); coding-DNA position 3997, A replaced by G.
Protein change: p.Ile1333Val; replaces isoleucine 1333 with valine.
Molecular consequence: missense variant.
Genome position (GRCh38, 1-based): chr6:75,151,870, T>C on the plus strand (A>G on the coding strand, the complement: COL12A1 is on the minus strand). VCF-style: chr6-75151870-T-C. GRCh37 (hg19) VCF-style: chr6-75861586-T-C.
Other names: c.505A>G, p.Ile169Val (NM_080645.3); short protein forms I1333V, I169V.
Identifiers: ClinVar variation 1058092 (VCV001058092.9), dbSNP rs557573017, ClinGen allele CA141004641.

ClinVar aggregate classification (germline): Uncertain significance (1 of 4 stars; one submission).

Conditions:
Ullrich congenital muscular dystrophy 2 (UCMD2). Identifiers: Orphanet 75840, MedGen C4225314, MONDO:0014654, OMIM 616470.
Bethlem myopathy 2 (BTHLM2). Identifiers: Orphanet 536516, Orphanet 610, MedGen C4225313, MONDO:0034022, OMIM 616471.

Allele frequency attached by ClinVar (database versions not stated): gnomAD exomes below 0.00001.
gnomAD v4.1: 4 of 1,613,564 alleles (0.00025%); highest among the groups gnomAD compares: South Asian, 0.0033%; no homozygotes.

Submission:

Labcorp Genetics (formerly Invitae), Labcorp
Classification: Uncertain significance for Bethlem myopathy 2; Ullrich congenital muscular dystrophy 2. Last evaluated: 2022-06-13. Review status: criteria provided, single submitter. Criteria: Invitae Variant Classification Sherloc (09022015). Collection method: clinical testing. Allele origin: germline.
Comment: In summary, the available evidence is currently insufficient to determine the role of this variant in disease. Therefore, it has been classified as a Variant of Uncertain Significance. Algorithms developed to predict the effect of missense changes on protein structure and function output the following: SIFT: "Tolerated"; PolyPhen-2: "Benign"; Align-GVGD: "Class C0". The valine amino acid residue is found in multiple mammalian species, which suggests that this missense change does not adversely affect protein function. ClinVar contains an entry for this variant (Variation ID: 1058092). This variant has not been reported in the literature in individuals affected with COL12A1-related conditions. This variant is present in population databases (rs557573017, gnomAD 0.003%). This sequence change replaces isoleucine, which is neutral and non-polar, with valine, which is neutral and non-polar, at codon 1333 of the COL12A1 protein (p.Ile1333Val).